The following is an entry in ClinVar:

ClinVar aggregate classification (germline): Uncertain significance (1 of 4 stars; one submission).

Submission:

GeneDx
Classification: Uncertain significance. Last evaluated: 2022-08-13. Review status: criteria provided, single submitter. Criteria: GeneDx Variant Classification Process June 2021. Collection method: clinical testing. Allele origin: germline. Affected: yes.
Comment: Not observed at significant frequency in large population cohorts (gnomAD); In silico analysis supports that this missense variant does not alter protein structure/function; In silico analysis suggests this variant may impact gene splicing. In the absence of RNA/functional studies, the actual effect of this sequence change is unknown.; Has not been previously published as pathogenic or benign to our knowledge

NM_003482.4(KMT2D):c.352A>G (p.Ile118Val)

Gene: KMT2D (lysine methyltransferase 2D; minus strand). Cytogenetic location: 12q13.12.
Variant type: single nucleotide variant.
Coding change: c.352A>G on transcript NM_003482.4 (MANE Select); coding-DNA position 352, A replaced by G.
Protein change: p.Ile118Val; replaces isoleucine 118 with valine.
Molecular consequence: missense variant.
Genome position (GRCh38, 1-based): chr12:49,054,576, T>C on the plus strand (A>G on the coding strand, the complement: KMT2D is on the minus strand). VCF-style: chr12-49054576-T-C. GRCh37 (hg19) VCF-style: chr12-49448359-T-C.
Other names: short protein forms I118V.
Identifiers: ClinVar variation 2429706 (VCV002429706.1), dbSNP rs1938286330, ClinGen allele CA384688194.